The following is an entry in ClinVar:

ClinVar aggregate classification (germline): Pathogenic. Review status: criteria provided, multiple submitters, no conflicts (2 of 4 stars). 3 submissions from 3 submitters: Pathogenic (2). 1 of the submissions does not count toward it. Last evaluated 2026-01-23.

Conditions:
Autosomal recessive nonsyndromic hearing loss 1A (DFNB1A). Also called: GJB6-Related DFNB 1 Nonsyndromic Hearing Loss and Deafness; Deafness, autosomal recessive 1A; Connexin 26 deafness; Deafness nonsyndromic, Connexin 26 linked; Nonsyndromic Hearing Loss and Deafness, DFNB1; GJB2-Related Autosomal Recessive Nonsyndromic Hearing Loss. Identifiers: Orphanet 90636, MedGen C2673759, MONDO:0009076, OMIM 220290.

Submissions (3):

Otogenetics
Classification: Pathogenic for Autosomal recessive nonsyndromic hearing loss 1A. Last evaluated: 2026-01-23. Review status: criteria provided, single submitter. Criteria: ACMG Guidelines, 2015. Collection method: clinical testing. Allele origin: germline.
Comment: PM2_Supporting: Variant not observed in gnomAD (<0.256% threshold); PM3_VeryStrong: Variant reported in trans with three pathogenic variants in eight individuals affected with non-syndromic hearing loss (PMID: 28786104, 31992338, 33827324, 34171171); PM5: Pathogenic missense amino acid changes occur in same position: c.232G>T p.Ala78Ser (PMID: 24158611); PP3: In-silico models predict deleterious effect (Revel = 0.84, BayesDel = 0.28)

Labcorp Genetics (formerly Invitae), Labcorp
Classification: Pathogenic. Last evaluated: 2023-03-04. Review status: criteria provided, single submitter. Criteria: Invitae Variant Classification Sherloc (09022015). Collection method: clinical testing. Allele origin: germline.
Comment: For these reasons, this variant has been classified as Pathogenic. Advanced modeling of protein sequence and biophysical properties (such as structural, functional, and spatial information, amino acid conservation, physicochemical variation, residue mobility, and thermodynamic stability) performed at Invitae indicates that this missense variant is expected to disrupt GJB2 protein function. ClinVar contains an entry for this variant (Variation ID: 1297076). This missense change has been observed in individual(s) with autosomal recessive deafness (PMID: 14556203, 24256046, 28786104, 28900455). In at least one individual the data is consistent with being in trans (on the opposite chromosome) from a pathogenic variant. It has also been observed to segregate with disease in related individuals. This variant has been reported in individual(s) with autosomal dominant deafness (PMID: 24503448); however, the role of the variant in this condition is currently unclear. This variant is not present in population databases (gnomAD no frequency). This sequence change replaces alanine, which is neutral and non-polar, with threonine, which is neutral and polar, at codon 78 of the GJB2 protein (p.Ala78Thr).

Deafness Molecular Diagnostic Center, Chinese PLA General Hospital
Classification: Likely pathogenic for Autosomal recessive nonsyndromic hearing loss 1A. Review status: no assertion criteria provided. Collection method: case-control. Allele origin: paternal. Affected: yes. Not counted in ClinVar's aggregate classification.

Literature cited by the submitters: PubMed 24158611 (cited by Otogenetics); PubMed 28786104 (cited by Otogenetics and Labcorp Genetics (formerly Invitae), Labcorp); PubMed 31992338 (cited by Otogenetics); PubMed 33827324 (cited by Otogenetics); PubMed 34171171 (cited by Otogenetics); PubMed 14556203 (cited by Labcorp Genetics (formerly Invitae), Labcorp); PubMed 24256046 (cited by Labcorp Genetics (formerly Invitae), Labcorp); PubMed 28900455 (cited by Labcorp Genetics (formerly Invitae), Labcorp); PubMed 24503448 (cited by Labcorp Genetics (formerly Invitae), Labcorp).

NM_004004.6(GJB2):c.232G>A (p.Ala78Thr)

Gene: GJB2 (gap junction protein beta 2; minus strand). Cytogenetic location: 13q12.11.
Variant type: single nucleotide variant.
Coding change: c.232G>A on transcript NM_004004.6 (MANE Select); coding-DNA position 232, G replaced by A.
Protein change: p.Ala78Thr; replaces alanine 78 with threonine.
Molecular consequence: missense variant.
Genome position (GRCh38, 1-based): chr13:20,189,350, C>T on the plus strand (G>A on the coding strand, the complement: GJB2 is on the minus strand). VCF-style: chr13-20189350-C-T. GRCh37 (hg19) VCF-style: chr13-20763489-C-T.
Other names: short protein forms A78T.
Identifiers: ClinVar variation 1297076 (VCV001297076.5), dbSNP rs1959060696, ClinGen allele CA387461574.
Genomic context (GRCh38, chr13:20,189,350, plus strand): 5'-GGTAGGCCACGTGCATGGCCACTAGGAGCGCTGGCGTGGACACGAAGATCAGCTGCAGGG[C>T]CCATAGCCGGATGTGGGAGATGGGGAAGTAGTGATCGTAGCACACGTTCTTGCAGCCTGG-3'
Protein context (NP_003995.2, residues 68-88): YFPISHIRLW[Ala78Thr]LQLIFVSTPA